The following is an entry in ClinVar:

ClinVar aggregate classification (germline): Conflicting classifications of pathogenicity. Review status: criteria provided, conflicting classifications (1 of 4 stars). 2 submissions from 2 submitters: Uncertain significance (1); Benign (1). Last evaluated 2022-12-06.

Conditions:
Inborn genetic diseases. Identifiers: MedGen C0950123, MeSH D030342.
Focal segmental glomerulosclerosis 5 (FSGS5). Identifiers: Orphanet 656, MedGen C2750475, MONDO:0013191, OMIM 613237.
Charcot-Marie-Tooth disease dominant intermediate E. Also called: CHARCOT-MARIE-TOOTH NEUROPATHY WITH FOCAL SEGMENTAL GLOMERULONEPHRITIS. Identifiers: Orphanet 93114, MedGen C4302667, MONDO:0013758, OMIM 614455.

Allele frequency attached by ClinVar (database versions not stated): gnomAD exomes 0.00001; TOPMed 0.00002; ExAC 0.00003; gnomAD 0.00003; ESP Exome Variant Server 0.00008.
gnomAD v4.1: 26 of 1,612,884 alleles (0.0016%); highest among the groups gnomAD compares: East Asian, 0.0067%; no homozygotes.

Submissions (2):

Labcorp Genetics (formerly Invitae), Labcorp
Classification: Benign for Charcot-Marie-Tooth disease dominant intermediate E; Focal segmental glomerulosclerosis 5. Last evaluated: 2022-12-06. Review status: criteria provided, single submitter. Criteria: Invitae Variant Classification Sherloc (09022015). Collection method: clinical testing. Allele origin: germline.

Ambry Genetics
Classification: Uncertain significance for Inborn genetic diseases. Last evaluated: 2019-12-19. Review status: criteria provided, single submitter. Criteria: Ambry Variant Classification Scheme 2023. Collection method: clinical testing. Allele origin: germline.
Comment: The p.V194M variant (also known as c.580G>A), located in coding exon 3 of the INF2 gene, results from a G to A substitution at nucleotide position 580. The valine at codon 194 is replaced by methionine, an amino acid with highly similar properties. This amino acid position is poorly conserved in available vertebrate species. In addition, this alteration is predicted to be tolerated by in silico analysis. Since supporting evidence is limited at this time, the clinical significance of this alteration remains unclear.

NM_022489.4(INF2):c.580G>A (p.Val194Met)

Gene: INF2 (inverted formin 2; plus strand). Cytogenetic location: 14q32.33.
Variant type: single nucleotide variant.
Coding change: c.580G>A on transcript NM_022489.4 (MANE Select); coding-DNA position 580, G replaced by A.
Protein change: p.Val194Met; replaces valine 194 with methionine.
Molecular consequence: missense variant.
Genome position (GRCh38, 1-based): chr14:104,703,367, G>A. VCF-style: chr14-104703367-G-A. GRCh37 (hg19) VCF-style: chr14-105169704-G-A.
Other names: c.580G>A, p.Val194Met (NM_001031714.4, NM_032714.3); short protein forms V194M.
Identifiers: ClinVar variation 838307 (VCV000838307.11), dbSNP rs368298329, ClinGen allele CA7372334.